The following is an entry in ClinVar:

NM_001042681.2(RERE):c.1247T>G (p.Phe416Cys)

Gene: RERE (arginine-glutamic acid dipeptide repeats; minus strand). Cytogenetic location: 1p36.23.
Variant type: single nucleotide variant.
Coding change: c.1247T>G on transcript NM_001042681.2 (MANE Select); coding-DNA position 1247, T replaced by G.
Protein change: p.Phe416Cys; replaces phenylalanine 416 with cysteine.
Molecular consequence: missense variant. On other transcripts: 5 prime UTR variant (1).
Genome position (GRCh38, 1-based): chr1:8,422,764, A>C on the plus strand (T>G on the coding strand, the complement: RERE is on the minus strand). VCF-style: chr1-8422764-A-C. GRCh37 (hg19) VCF-style: chr1-8482824-A-C.
Other names: c.-416T>G (NM_001042682.2); c.1247T>G, p.Phe416Cys (NM_012102.4); short protein forms F416C.
Identifiers: ClinVar variation 1810532 (VCV001810532.1), dbSNP rs2521311551, ClinGen allele CA338224683.

ClinVar aggregate classification (germline): Uncertain significance (1 of 4 stars; one submission).

gnomAD v4.1: 1 of 1,614,036 alleles (0.000062%); no homozygotes.

Submission:

GeneDx
Classification: Uncertain significance. Last evaluated: 2022-07-08. Review status: criteria provided, single submitter. Criteria: GeneDx Variant Classification Process June 2021. Collection method: clinical testing. Allele origin: germline. Affected: yes.
Comment: Not observed at significant frequency in large population cohorts (gnomAD); In silico analysis supports that this missense variant has a deleterious effect on protein structure/function; Has not been previously published as pathogenic or benign to our knowledge